The following is an entry in ClinVar:

NM_003126.4(SPTA1):c.3226C>T (p.Arg1076Cys)

Gene: SPTA1 (spectrin alpha, erythrocytic 1; minus strand). Cytogenetic location: 1q23.1.
Variant type: single nucleotide variant.
Coding change: c.3226C>T on transcript NM_003126.4 (MANE Select); coding-DNA position 3226, C replaced by T.
Protein change: p.Arg1076Cys; replaces arginine 1076 with cysteine.
Molecular consequence: missense variant.
Genome position (GRCh38, 1-based): chr1:158,652,616, G>A on the plus strand (C>T on the coding strand, the complement: SPTA1 is on the minus strand). VCF-style: chr1-158652616-G-A. GRCh37 (hg19) VCF-style: chr1-158622406-G-A.
Other names: short protein forms R1076C.
Identifiers: ClinVar variation 3448907 (VCV003448907.3).

ClinVar aggregate classification (germline): Uncertain significance. Review status: criteria provided, multiple submitters, no conflicts (2 of 4 stars). 3 submissions from 3 submitters: Uncertain significance (3). Last evaluated 2024-11-25.

gnomAD v4.1: 17 of 1,614,100 alleles (0.0011%); highest among the groups gnomAD compares: East Asian, 0.0022%; no homozygotes.

Submissions (3):

Blueprint Genetics
Classification: Uncertain significance. Last evaluated: 2024-11-25. Review status: criteria provided, single submitter. Criteria: ACMG Guidelines, 2015. Collection method: clinical testing. Allele origin: germline.

ARUP Laboratories, Molecular Genetics and Genomics, ARUP Laboratories
Classification: Uncertain significance. Last evaluated: 2024-08-28. Review status: criteria provided, single submitter. Criteria: ARUP Molecular Germline Variant Investigation Process 2024. Collection method: clinical testing. Allele origin: germline.
Comment: The SPTA1 c.3226C>T; p.Arg1076Cys variant (rs372281474), to our knowledge, is not reported in the medical literature or gene specific databases. This variant is only observed on one allele in the Genome Aggregation Database (v2.1.1), indicating it is not a common polymorphism. Computational analyses are uncertain whether this variant is neutral or deleterious (REVEL: 0.332). Due to limited information, the clinical significance of this variant is uncertain at this time.

Ambry Genetics
Classification: Uncertain significance. Last evaluated: 2024-07-09. Review status: criteria provided, single submitter. Criteria: Ambry Variant Classification Scheme 2023. Collection method: clinical testing. Allele origin: germline.